The following is an entry in ClinVar:

NC_000011.9:g.(?_30253450)_(32460464_?)del

Genes: ARL14EP (ARF like GTPase 14 effector protein; plus strand), DCDC1 (doublecortin domain containing 1; minus strand), DNAJC24 (DnaJ heat shock protein family (Hsp40) member C24; plus strand), ELP4 (elongator acetyltransferase complex subunit 4; plus strand), FSHB (follicle stimulating hormone subunit beta; plus strand) and 6 more. Cytogenetic location: 11p14.1-13.
Variant type: Deletion.
Identifiers: ClinVar variation 2427580 (VCV002427580.3).

ClinVar aggregate classification (germline): no classifications from unflagged records (0 of 4 stars; one submission).

Submission:

Labcorp Genetics (formerly Invitae), Labcorp
Classification: Uncertain significance. Last evaluated: 2022-02-20. Review status: flagged submission. Criteria: Invitae Variant Classification Sherloc (09022015). Collection method: clinical testing. Allele origin: germline.
Comment: A gross deletion of the genomic region encompassing the full coding sequence of the DCDC1 gene has been identified. The current clinical and genetic evidence is not sufficient to establish whether loss-of-function variants in DCDC1 cause disease. The boundaries of this event are unknown as they extend beyond the assayed region for this gene and therefore may encompass additional genes. This variant has not been reported in the literature in individuals affected with DCDC1-related conditions. In summary, the available evidence is currently insufficient to determine the role of this variant in disease. Therefore, it has been classified as a Variant of Uncertain Significance.
ClinVar note: Notes: This submission was flagged because its interpretation of this variant conflicts with the ClinGen Gene Dosage Map curations for the following genes: WT1 PAX6.
ClinVar note: Reason: Conflict with ClinGen Gene Dosage Map